The following is an entry in ClinVar:

NM_005476.7(GNE):c.1933+1G>C

Gene: GNE (glucosamine (UDP-N-acetyl)-2-epimerase/N-acetylmannosamine kinase; minus strand). Cytogenetic location: 9p13.3.
Variant type: single nucleotide variant.
Coding change: c.1933+1G>C on transcript NM_005476.7 (MANE Select); the canonical splice donor site of the intron after coding-DNA position 1933, G replaced by C.
Molecular consequence: splice donor variant.
Genome position (GRCh38, 1-based): chr9:36,218,182, C>G on the plus strand (G>C on the coding strand, the complement: GNE is on the minus strand). VCF-style: chr9-36218182-C-G. GRCh37 (hg19) VCF-style: chr9-36218179-C-G.
Other names: c.1756+1G>C (NM_001190388.2, NM_001374798.1); c.2026+1G>C (NM_001128227.3); c.1603+1G>C (NM_001190384.3); c.1780+1G>C (NM_001374797.1); c.1711+1G>C (NM_001190383.3).
Identifiers: ClinVar variation 2951384 (VCV002951384.3), dbSNP rs2489590578, ClinGen allele CA373424897.

ClinVar aggregate classification (germline): Pathogenic (1 of 4 stars; one submission).

Conditions:
Sialuria. Also called: Sialic Acid Storage Disease; SIALURIA, FRENCH TYPE. Identifiers: Orphanet 3166, MedGen C0342853, MONDO:0010028, OMIM 269921.
GNE myopathy (NM). Also called: INCLUSION BODY MYOPATHY, HEREDITARY, AUTOSOMAL RECESSIVE; INCLUSION BODY MYOPATHY 2, AUTOSOMAL RECESSIVE; MYOPATHY, DISTAL, WITH OR WITHOUT RIMMED VACUOLES; Inclusion body myopathy quadriceps sparing; IBM 2; Inclusion body myopathy autosomal recessive. Identifiers: Orphanet 602, MedGen C1853926, MONDO:0011603, OMIM 605820.

Submission:

Labcorp Genetics (formerly Invitae), Labcorp
Classification: Pathogenic for Sialuria; GNE myopathy. Last evaluated: 2023-08-29. Review status: criteria provided, single submitter. Criteria: Invitae Variant Classification Sherloc (09022015). Collection method: clinical testing. Allele origin: germline.
Comment: For these reasons, this variant has been classified as Pathogenic. This variant disrupts a region of the GNE protein in which other variant(s) (p.Tyr706*) have been determined to be pathogenic (Invitae). This suggests that this is a clinically significant region of the protein, and that variants that disrupt it are likely to be disease-causing. Variants that disrupt the consensus splice site are a relatively common cause of aberrant splicing (PMID: 17576681, 9536098). Algorithms developed to predict the effect of sequence changes on RNA splicing suggest that this variant may disrupt the consensus splice site. This variant has not been reported in the literature in individuals affected with GNE-related conditions. This variant is not present in population databases (gnomAD no frequency). This sequence change affects a donor splice site in intron 11 of the GNE gene. While this variant is not anticipated to result in nonsense mediated decay, it likely alters RNA splicing and results in a disrupted protein product.

Literature cited by the submitters: PubMed 17576681; PubMed 9536098.